The following is an entry in ClinVar:

ClinVar aggregate classification (germline): Uncertain significance. Review status: criteria provided, multiple submitters, no conflicts (2 of 4 stars). 2 submissions from 2 submitters: Uncertain significance (2). Last evaluated 2023-09-12.

Conditions:
Familial cancer of breast. Also called: hereditary breast carcinoma; Hereditary breast cancer; BREAST CANCER, FAMILIAL. Identifiers: Orphanet 227535, MedGen C0346153, MONDO:0016419, OMIM 114480. Disease mechanism: loss of function.

Submissions (2):

Baylor Genetics
Classification: Uncertain significance for Familial cancer of breast. Last evaluated: 2023-09-12. Review status: criteria provided, single submitter. Criteria: ACMG Guidelines, 2015. Collection method: clinical testing. Allele origin: unknown.

Labcorp Genetics (formerly Invitae), Labcorp
Classification: Uncertain significance for Familial cancer of breast. Last evaluated: 2021-04-02. Review status: criteria provided, single submitter. Criteria: Invitae Variant Classification Sherloc (09022015). Collection method: clinical testing. Allele origin: germline.
Comment: This variant has not been reported in the literature in individuals with CHEK2-related conditions. Algorithms developed to predict the effect of missense changes on protein structure and function are either unavailable or do not agree on the potential impact of this missense change (SIFT: "Deleterious"; PolyPhen-2: "Benign"; Align-GVGD: "Class C0"). In summary, the available evidence is currently insufficient to determine the role of this variant in disease. Therefore, it has been classified as a Variant of Uncertain Significance. This variant is not present in population databases (ExAC no frequency). This sequence change replaces lysine with glutamine at codon 119 of the CHEK2 protein (p.Lys119Gln). The lysine residue is moderately conserved and there is a small physicochemical difference between lysine and glutamine.

NM_007194.4(CHEK2):c.355A>C (p.Lys119Gln)

Gene: CHEK2 (checkpoint kinase 2; minus strand). Cytogenetic location: 22q12.1.
Variant type: single nucleotide variant.
Coding change: c.355A>C on transcript NM_007194.4 (MANE Select); coding-DNA position 355, A replaced by C.
Protein change: p.Lys119Gln; replaces lysine 119 with glutamine.
Molecular consequence: missense variant.
Genome position (GRCh38, 1-based): chr22:28,725,332, T>G on the plus strand (A>C on the coding strand, the complement: CHEK2 is on the minus strand). VCF-style: chr22-28725332-T-G. GRCh37 (hg19) VCF-style: chr22-29121320-T-G.
Other names: c.484A>C, p.Lys162Gln (NM_001005735.3); c.-423A>C (NM_001257387.3); c.355A>C, p.Lys119Gln (NM_001349956.3, NM_145862.3); short protein forms K119Q, K162Q.
Identifiers: ClinVar variation 1373889 (VCV001373889.10), dbSNP rs2053964255, ClinGen allele CA411108175.